The following is an entry in ClinVar:

NM_001375405.1(CEP120):c.1831C>T (p.Arg611Cys)

Gene: CEP120 (centrosomal protein 120; minus strand). Cytogenetic location: 5q23.2.
Variant type: single nucleotide variant.
Coding change: c.1831C>T on transcript NM_001375405.1 (MANE Select); coding-DNA position 1831, C replaced by T.
Protein change: p.Arg611Cys; replaces arginine 611 with cysteine.
Molecular consequence: missense variant. On other transcripts: non-coding transcript variant (1).
Genome position (GRCh38, 1-based): chr5:123,383,015, G>A on the plus strand (C>T on the coding strand, the complement: CEP120 is on the minus strand). VCF-style: chr5-123383015-G-A. GRCh37 (hg19) VCF-style: chr5-122718709-G-A.
Other names: c.1831C>T (NM_153223.3); c.1753C>T, p.Arg585Cys (NM_001166226.2); c.1696C>T, p.Arg566Cys (NM_001375406.1); c.1831C>T, p.Arg611Cys (NM_001375407.1, NM_153223.4); c.1258C>T, p.Arg420Cys (NM_001375408.1, NM_001375409.1); short protein forms R566C, R611C, R420C, R585C.
Identifiers: ClinVar variation 1393184 (VCV001393184.7), dbSNP rs150132498, ClinGen allele CA3386856.

ClinVar aggregate classification (germline): Uncertain significance. Review status: criteria provided, multiple submitters, no conflicts (2 of 4 stars). 2 submissions from 2 submitters: Uncertain significance (2). Last evaluated 2025-08-01.

Conditions:
Inborn genetic diseases. Identifiers: MedGen C0950123, MeSH D030342.
Short-rib thoracic dysplasia 13 with or without polydactyly (SRTD13). Identifiers: Orphanet 474, MedGen C4225378, MONDO:0014577, OMIM 616300.

Allele frequency attached by ClinVar (database versions not stated): gnomAD 0.00001 and 0.00003; TOPMed 0.00001.
gnomAD v4.1: 42 of 1,592,424 alleles (0.0026%); highest among the groups gnomAD compares: South Asian, 0.01%; no homozygotes.

Submissions (2):

Ambry Genetics
Classification: Uncertain significance for Inborn genetic diseases. Last evaluated: 2025-08-01. Review status: criteria provided, single submitter. Criteria: Ambry Variant Classification Scheme 2023. Collection method: clinical testing. Allele origin: germline.

Labcorp Genetics (formerly Invitae), Labcorp
Classification: Uncertain significance for Short-rib thoracic dysplasia 13 with or without polydactyly. Last evaluated: 2021-12-28. Review status: criteria provided, single submitter. Criteria: Invitae Variant Classification Sherloc (09022015). Collection method: clinical testing. Allele origin: germline.
Comment: Algorithms developed to predict the effect of missense changes on protein structure and function (SIFT, PolyPhen-2, Align-GVGD) all suggest that this variant is likely to be disruptive. In summary, the available evidence is currently insufficient to determine the role of this variant in disease. Therefore, it has been classified as a Variant of Uncertain Significance. This variant has not been reported in the literature in individuals affected with CEP120-related conditions. This variant is present in population databases (rs150132498, gnomAD 0.02%). This sequence change replaces arginine, which is basic and polar, with cysteine, which is neutral and slightly polar, at codon 611 of the CEP120 protein (p.Arg611Cys).